The following is an entry in ClinVar:

ClinVar aggregate classification (germline): Uncertain significance. Review status: criteria provided, multiple submitters, no conflicts (2 of 4 stars). 2 submissions from 2 submitters: Uncertain significance (2). Last evaluated 2025-06-08.

Conditions:
Inborn genetic diseases. Identifiers: MedGen C0950123, MeSH D030342.

Submissions (2):

Ambry Genetics
Classification: Uncertain significance for Inborn genetic diseases. Last evaluated: 2025-06-08. Review status: criteria provided, single submitter. Criteria: Ambry Variant Classification Scheme 2023. Collection method: clinical testing. Allele origin: germline.
Comment: The p.E1971D variant (also known as c.5913G>C), located in coding exon 22 of the FANCM gene, results from a G to C substitution at nucleotide position 5913. The glutamic acid at codon 1971 is replaced by aspartic acid, an amino acid with highly similar properties. This amino acid position is conserved. In addition, this alteration is predicted to be tolerated by in silico analysis. Based on the available evidence, the clinical significance of this variant remains unclear.

Quest Diagnostics Nichols Institute San Juan Capistrano
Classification: Uncertain significance. Last evaluated: 2022-10-01. Review status: criteria provided, single submitter. Criteria: Quest Diagnostics criteria. Collection method: clinical testing. Allele origin: unknown.
Comment: This variant has not been reported in the published literature. It also has not been reported in large, multi-ethnic general populations. Analysis of this variant using bioinformatics tools for the prediction of the effect of amino acid changes on protein structure and function yielded predictions that this variant is benign. Based on the available information, we are unable to determine the clinical significance of this variant.

NM_020937.4(FANCM):c.5913G>C (p.Glu1971Asp)

Gene: FANCM (FA complementation group M; plus strand). Cytogenetic location: 14q21.2.
Variant type: single nucleotide variant.
Coding change: c.5913G>C on transcript NM_020937.4 (MANE Select); coding-DNA position 5913, G replaced by C.
Protein change: p.Glu1971Asp; replaces glutamic acid 1971 with aspartic acid.
Molecular consequence: missense variant.
Genome position (GRCh38, 1-based): chr14:45,198,840, G>C. VCF-style: chr14-45198840-G-C. GRCh37 (hg19) VCF-style: chr14-45668043-G-C.
Other names: c.5835G>C, p.Glu1945Asp (NM_001308133.2); short protein forms E1945D, E1971D.
Identifiers: ClinVar variation 2681934 (VCV002681934.2), dbSNP rs768666530, ClinGen allele CA389587348.